The following is an entry in ClinVar:

ClinVar aggregate classification (germline): Likely benign (1 of 4 stars; one submission).

Submission:

CeGaT Center for Human Genetics Tuebingen
Classification: Likely benign. Last evaluated: 2022-06-01. Review status: criteria provided, single submitter. Criteria: CeGaT Center For Human Genetics Tuebingen Variant Classification Criteria Version 2. Collection method: clinical testing. Allele origin: germline. Affected: yes. Observed: 1 variant allele.
Comment: MUC19: PM2:Supporting, BP4, BP7

NC_000012.12:g.40515178C>A

Gene: MUC19 (mucin 19, oligomeric (gene/pseudogene); plus strand). Cytogenetic location: 12q12.
Variant type: single nucleotide variant.
Genome position: GRCh38 VCF-style: chr12-40515178-C-A. GRCh37 (hg19) VCF-style: chr12-40908980-C-A.
Identifiers: ClinVar variation 2642883 (VCV002642883.24), dbSNP rs973493842, ClinGen allele CA235398881.